The following is an entry in ClinVar:

NM_000179.3(MSH6):c.3425C>T (p.Thr1142Met)

Gene: MSH6 (mutS homolog 6; plus strand). Cytogenetic location: 2p16.3.
Variant type: single nucleotide variant.
Coding change: c.3425C>T on transcript NM_000179.3 (MANE Select); coding-DNA position 3425, C replaced by T.
Protein change: p.Thr1142Met; replaces threonine 1142 with methionine.
Molecular consequence: missense variant.
Genome position (GRCh38, 1-based): chr2:47,803,672, C>T. VCF-style: chr2-47803672-C-T. GRCh37 (hg19) VCF-style: chr2-48030811-C-T.
Other names: p.T1142M:ACG>ATG; c.3035C>T, p.Thr1012Met (NM_001281492.2); c.2519C>T, p.Thr840Met (NM_001281493.2, NM_001281494.2); short protein forms T1142M, T1012M, T840M.
Identifiers: ClinVar variation 89381 (VCV000089381.51), dbSNP rs267608089, ClinGen allele CA012799.

ClinVar aggregate classification (germline): Conflicting classifications of pathogenicity. Review status: criteria provided, conflicting classifications (1 of 4 stars). 18 submissions from 18 submitters: Uncertain significance (15); Likely benign (2). 1 of the submissions does not count toward it. Last evaluated 2026-02-11.

Conditions:
Hereditary nonpolyposis colorectal neoplasms. Identifiers: MedGen C0009405, MeSH D003123.
Hereditary cancer-predisposing syndrome. Also called: Neoplastic Syndromes, Hereditary; Tumor predisposition; Hereditary Cancer Syndrome; Hereditary neoplastic syndrome. Identifiers: Orphanet 140162, MedGen C0027672, MeSH D009386, MONDO:0015356.
Lynch syndrome. Identifiers: Orphanet 144, MedGen C4552100, MONDO:0005835. Disease mechanism: loss of function.
Lynch syndrome 5 (LYNCH5). Also called: Hereditary non-polyposis colorectal cancer, type 5; Colorectal cancer, hereditary nonpolyposis, type 5. Identifiers: Orphanet 144, MedGen C1833477, MONDO:0013710, OMIM 614350. Disease mechanism: loss of function.
Endometrial carcinoma. Also called: Endometrial carcinoma, somatic. Identifiers: MedGen C0476089, MONDO:0002447, OMIM 608089, HP:0012114.
Malignant tumor of breast. Also called: Malignant breast neoplasm; Cancer breast. Identifiers: MedGen C0006142, MONDO:0007254. Disease mechanism: loss of function.

Allele frequency attached by ClinVar (database versions not stated): gnomAD exomes 0.00002 and 0.00004; ExAC 0.00003; gnomAD 0.00005; TOPMed 0.00005.
gnomAD v4.1: 59 of 1,614,044 alleles (0.0037%); highest among the groups gnomAD compares: East Asian, 0.0067%; no homozygotes.

Submissions 1 to 9 of 18:

St. Jude Molecular Pathology, St. Jude Children's Research Hospital
Classification: Uncertain significance for Lynch syndrome 5. Last evaluated: 2026-02-11. Review status: criteria provided, single submitter. Criteria: St. Jude Assertion Criteria 2020. Collection method: clinical testing. Allele origin: germline.
Comment: The MSH6 c.3425C>T p.(Thr1142Met) missense change has a maximum subpopulation frequency of 0.004% in gnomAD v2.1.1. In silico tools predict a deleterious effect on protein function however a functional study supports normal mismatch repair function (PMID: 28531214). To our knowledge, this variant has not been reported as pathogenic in individuals with Lynch syndrome or constitutional mismatch repair deficiency. In summary, the evidence currently available is insufficient to determine the clinical significance of this variant. It has therefore been classified as of uncertain significance.

Labcorp Genetics (formerly Invitae), Labcorp
Classification: Likely benign for Hereditary nonpolyposis colorectal neoplasms. Last evaluated: 2026-01-28. Review status: criteria provided, single submitter. Criteria: Invitae Variant Classification Sherloc (09022015). Collection method: clinical testing. Allele origin: germline.

Mayo Clinic Laboratories, Mayo Clinic
Classification: Uncertain significance. Last evaluated: 2025-11-30. Review status: criteria provided, single submitter. Criteria: ACMG Guidelines, 2015. Collection method: clinical testing. Allele origin: germline. Observed: 1 variant allele.
Comment: BS1, PP3_moderate

Women's Health and Genetics/Laboratory Corporation of America, LabCorp
Classification: Uncertain significance. Last evaluated: 2025-02-19. Review status: criteria provided, single submitter. Criteria: LabCorp Variant Classification Summary - May 2015. Collection method: clinical testing. Allele origin: germline.
Comment: Variant summary: MSH6 c.3425C>T (p.Thr1142Met) results in a non-conservative amino acid change located in the DNA mismatch repair protein MutS, C-terminal domain (IPR000432) of the encoded protein sequence. Five of five in-silico tools predict a damaging effect of the variant on protein function. The variant allele was found at a frequency of 3.7e-05 in 1614044 control chromosomes, predominantly at a frequency of 7.8e-05 within the Non-Finnish European subpopulation in the gnomAD database. The available data on variant occurrences in the general population are insufficient to allow any conclusion about variant significance c.3425C>T has been reported in the literature in individuals affected with Lynch syndrome, hereditary breast and ovarian cancer or prostate cancer (example, Perez-Cabornero_2013, Castera_2014, Lerner-Ellis_2021, Yang_2024). These reports do not provide unequivocal conclusions about association of the variant with Lynch Syndrome. At least one publication reports experimental evidence evaluating an impact on protein function. These results showed no damaging effect of this variant on mismatch repair (MMR) activity (Houlleberghs_2017). The following publications have been ascertained in the context of this evaluation (PMID: 24549055, 23523604, 28531214, 32885271, 37937776, 38327772). ClinVar contains an entry for this variant (Variation ID: 89381). Based on the evidence outlined above, the variant was classified as VUS-possibly benign.

Quest Diagnostics Nichols Institute San Juan Capistrano
Classification: Uncertain significance. Last evaluated: 2025-01-08. Review status: criteria provided, single submitter. Criteria: Quest Diagnostics criteria. Collection method: clinical testing. Allele origin: unknown.
Comment: The MSH6 c.3425C>T (p.Thr1142Met) variant has been reported in the published literature in individuals with a personal and/or family history of breast/ovarian cancer (PMID: 24549055 (2014), 32885271 (2021), 33471991 (2021), see also LOVD) and colon polyps (PMID: 23523604 (2013)). This variant has also been identified in reportedly healthy individuals (PMID:33471991 (2021), see also LOVD). A functional study has reported that this variant does not affect DNA damage response (PMID: 28531214 (2017)). The frequency of this variant in the general population (Genome Aggregation Database) is uninformative in the assessment of its pathogenicity. Analysis of this variant using bioinformatics tools for the prediction of the effect of amino acid changes on protein structure and function yielded predictions that this variant is damaging. Based on the available information, we are unable to determine the clinical significance of this variant.

Myriad Genetics, Inc.
Classification: Likely benign for Lynch syndrome 5. Last evaluated: 2025-01-06. Review status: criteria provided, single submitter. Criteria: Myriad Autosomal Dominant, Autosomal Recessive and X-Linked Classification Criteria (2023). Collection method: clinical testing. Allele origin: unknown.
Comment: This variant is considered likely benign. This variant is strongly associated with less severe personal and family histories of cancer, typical for individuals without pathogenic variants in this gene [PMID: 27363726].

Ambry Genetics
Classification: Uncertain significance for Hereditary cancer-predisposing syndrome. Last evaluated: 2024-12-13. Review status: criteria provided, single submitter. Criteria: Ambry Variant Classification Scheme 2023. Collection method: clinical testing. Allele origin: germline.
Comment: The p.T1142M variant (also known as c.3425C>T), located in coding exon 5 of the MSH6 gene, results from a C to T substitution at nucleotide position 3425. The threonine at codon 1142 is replaced by methionine, an amino acid with similar properties. This variant was reported in a Spanish family meeting Amsterdam criteria and segregated with disease in 2/2 affected relatives; however, tumor testing in this family demonstrated microsatellite stability and normal staining on IHC (Perez-Cabornero L et al. Eur. J. Cancer. 2009 May;45:1485-93; Perez-Cabornero L et al. J Mol Diagn. 2013 May;15:380-90). This alteration was reported in a cohort of suspected hereditary breast and ovarian cancer patients who underwent multi-gene panel testing (Cast&eacute;ra L et al. Eur. J. Hum. Genet., 2014 Nov;22:1305-13). This variant was also observed in 2/3251 individuals who met eligibility criteria for hereditary breast and ovarian cancer syndrome (Lerner-Ellis J et al. J Cancer Res Clin Oncol, 2021 Mar;147:871-879). In a functional study that utilized a genetic screening method to test mismatch repair activity in murine embryonic stem cells, p.T1142M did not demonstrate attenuated mismatch repair (Houlleberghs H et al. PLoS Genet., 2017 May;13:e1006765). This amino acid position is highly conserved in available vertebrate species. In addition, this alteration is predicted to be deleterious by in silico analysis. Based on the available evidence, the clinical significance of this variant remains unclear.

GeneDx
Classification: Uncertain significance. Last evaluated: 2024-06-25. Review status: criteria provided, single submitter. Criteria: GeneDx Variant Classification Process June 2021. Collection method: clinical testing. Allele origin: germline. Affected: yes.
Comment: Not observed at significant frequency in large population cohorts (gnomAD); In silico analysis supports that this missense variant has a deleterious effect on protein structure/function; Published functional studies demonstrate proficient mismatch repair activity (PMID: 28531214); Observed in individuals with polyps or history suggestive of hereditary breast and ovarian cancer syndrome (PMID: 23523604, 24549055); This variant is associated with the following publications: (PMID: 26333163, 27632392, 23621914, 23523604, 19250818, 23588873, 24549055, n/a, 33471991, 32885271, 28531214, 21120944, 12019211, 37937776)

All of Us Research Program, National Institutes of Health
Classification: Uncertain significance for Lynch syndrome. Last evaluated: 2024-04-16. Review status: criteria provided, single submitter. Criteria: ACMG Guidelines, 2015. Collection method: clinical testing. Allele origin: germline. Inheritance: Autosomal dominant inheritance. Observed: 13 variant alleles, 13 heterozygotes.
Comment: This missense variant replaces threonine with methionine at codon 1142 of the MSH6 protein. Computational prediction suggests that this variant may have deleterious impact on protein structure and function (internally defined REVEL score threshold >= 0.7, PMID: 27666373). A functional assay to detect DNA mismatch repair (MMR) deficiency in MSH6 deficient mouse embryonic stem cells found that the variant protein is likely MMR proficient (PMID: 28531214). This variant has been reported in individuals affected with Lynch syndrome (PMID: 19250818, 23523604, Goverde 2018) and an individual suspected to be affected with hereditary breast and ovarian cancer (PMID: 24549055). This variant has been identified in 7/282732 chromosomes in the general population by the Genome Aggregation Database (gnomAD). The available evidence is insufficient to determine the role of this variant in disease conclusively. Therefore, this variant is classified as a Variant of Uncertain Significance.

This study involves interpretation of variants in research participants for the purpose of population health screening. Participant phenotype was not available at the time of variant classification. Additional details can be found in publication PMID: 35346344, PMCID: PMC8962531